The following is an entry in ClinVar:

NM_000535.7(PMS2):c.325del (p.Glu109fs)

Gene: PMS2 (PMS1 homolog 2, mismatch repair system component; minus strand). Cytogenetic location: 7p22.1.
Variant type: Deletion.
Coding change: c.325del on transcript NM_000535.7 (MANE Select); coding-DNA position 325, one base deleted (G; older notation c.325delG).
Protein change: p.Glu109fs; shifts the reading frame from glutamic acid 109.
Molecular consequence: frameshift variant. On other transcripts: 5 prime UTR variant (9), non-coding transcript variant (1), intron variant (2).
Genome position (GRCh38, 1-based): chr7:6,003,718, C deleted on the plus strand (G on the coding strand, the reverse complement: PMS2 is on the minus strand); the first of 6 consecutive C bases (chr7:6,003,718-6,003,723); deleting any one gives the same sequence. VCF-style (leftmost placement, unchanged base first): chr7-6003717-TC-T. GRCh37 (hg19) VCF-style: chr7-6043348-TC-T.
Other names: c.-81del (NM_001322003.2, NM_001322004.2, NM_001322005.2 and 3 more transcripts); c.325del, p.Glu109fs (NM_001322006.2, NM_001322014.2); c.-560del (NM_001322011.2, NM_001322012.2); c.-160del (NM_001322015.2); c.35+254del (NM_001322008.2, NM_001322007.2); short protein forms E109fs.
Identifiers: ClinVar variation 141395 (VCV000141395.26), dbSNP rs587781716, ClinGen allele CA011860.
Genomic context (GRCh38, chr7:6,003,717, plus strand): 5'-GGGTCAAGTGAGTGGATAAAAATATTGTATCACCTCAGTGCACAAAGTGAGCTCAGAGCT[TC>T]CCCCCGAAAGCCAAAAGTTTCAACCTGAGTTAGGTCGGCAAACTCTTGAATCTTAGATGT-3'

ClinVar aggregate classification (germline): Pathogenic. Review status: criteria provided, multiple submitters, no conflicts (2 of 4 stars). 9 submissions from 9 submitters: Pathogenic (8). 1 of the submissions does not count toward it. Last evaluated 2025-12-15.

Conditions:
Mismatch repair cancer syndrome 4. Identifiers: MedGen C5436817, MONDO:0030843, OMIM 619101.
Lynch-like syndrome.
Hereditary nonpolyposis colorectal neoplasms. Identifiers: MedGen C0009405, MeSH D003123.
Hereditary cancer-predisposing syndrome. Also called: Neoplastic Syndromes, Hereditary; Tumor predisposition; Hereditary Cancer Syndrome; Hereditary neoplastic syndrome. Identifiers: Orphanet 140162, MedGen C0027672, MeSH D009386, MONDO:0015356.
Lynch syndrome 4 (LYNCH4). Also called: Colorectal cancer, hereditary nonpolyposis, type 4; Hereditary non-polyposis colorectal cancer, type 4. Identifiers: Orphanet 144, MedGen C1838333, MONDO:0013699, OMIM 614337. Disease mechanism: loss of function.

Submissions (9):

Labcorp Genetics (formerly Invitae), Labcorp
Classification: Pathogenic for Hereditary nonpolyposis colorectal neoplasms. Last evaluated: 2025-12-15. Review status: criteria provided, single submitter. Criteria: Invitae Variant Classification Sherloc (09022015). Collection method: clinical testing. Allele origin: germline.
Comment: This sequence change creates a premature translational stop signal (p.Glu109Lysfs*3) in the PMS2 gene. It is expected to result in an absent or disrupted protein product. Loss-of-function variants in PMS2 are known to be pathogenic (PMID: 21376568, 24362816). This variant is not present in population databases (gnomAD no frequency). This variant has not been reported in the literature in individuals affected with PMS2-related conditions. ClinVar contains an entry for this variant (Variation ID: 141395). Algorithms developed to predict the effect of sequence changes on RNA splicing suggest that this variant may disrupt the consensus splice site. For these reasons, this variant has been classified as Pathogenic.

Quest Diagnostics Nichols Institute San Juan Capistrano
Classification: Pathogenic. Last evaluated: 2025-09-15. Review status: criteria provided, single submitter. Criteria: Quest Diagnostics criteria. Collection method: clinical testing. Allele origin: unknown.
Comment: The PMS2 c.325del (p.Glu109Lysfs*3) variant alters the translational reading frame of the PMS2 mRNA and causes the premature termination of PMS2 protein synthesis. This variant has been reported in the published literature in individuals with Lynch syndrome-associated cancers (PMID: 28514183 (2017)), including gastrointestinal and breast cancer (PMID: 31068090 (2019)). In a large-scale breast cancer association study, this variant has been observed in one breast cancer case and zero reportedly unaffected individuals (PMID: 33471991 (2021), see also LOVD). This variant has not been reported in large, multi-ethnic general populations (Genome Aggregation Database). Based on the available information, this variant is classified as pathogenic.

Ambry Genetics
Classification: Pathogenic for Hereditary cancer-predisposing syndrome. Last evaluated: 2025-03-25. Review status: criteria provided, single submitter. Criteria: Ambry Variant Classification Scheme 2023. Collection method: clinical testing. Allele origin: germline.
Comment: The c.325delG pathogenic mutation, located in coding exon 4 of the PMS2 gene, results from a deletion of one nucleotide at nucleotide position 325, causing a translational frameshift with a predicted alternate stop codon (p.E109Kfs*3). This mutation has been reported in an individual whose family meets Amsterdam criteria (Ricci MT et al. Tumori, 2019 Aug;105:338-352). This variant is considered to be rare based on population cohorts in the Genome Aggregation Database (gnomAD). In addition to the clinical data presented in the literature, this alteration is expected to result in loss of function by premature protein truncation or nonsense-mediated mRNA decay. As such, this alteration is interpreted as a disease-causing mutation.

Revvity Omics, Revvity
Classification: Pathogenic. Last evaluated: 2024-04-04. Review status: criteria provided, single submitter. Criteria: ACMG Guidelines, 2015. Collection method: clinical testing. Allele origin: germline.

Myriad Genetics, Inc.
Classification: Pathogenic for Lynch syndrome 4. Last evaluated: 2023-09-18. Review status: criteria provided, single submitter. Criteria: Myriad Autosomal Dominant, Autosomal Recessive and X-Linked Classification Criteria (2023). Collection method: clinical testing. Allele origin: unknown.
Comment: This variant is considered pathogenic. This variant creates a frameshift predicted to result in premature protein truncation.

Department of Pathology and Laboratory Medicine, Sinai Health System
Classification: Pathogenic for Mismatch repair cancer syndrome 4. Last evaluated: 2020-10-15. Review status: criteria provided, single submitter. Criteria: ACMG Guidelines, 2015. Collection method: clinical testing. Allele origin: germline. Affected: yes.

Color Diagnostics, LLC DBA Color Health
Classification: Pathogenic for Hereditary cancer-predisposing syndrome. Last evaluated: 2019-11-05. Review status: criteria provided, single submitter. Criteria: ACMG Guidelines, 2015. Collection method: clinical testing. Allele origin: germline.
Comment: This variant deletes 1 nucleotide in exon 4 of the PMS2 gene, creating a frameshift and premature translation stop signal. This variant is expected to result in an absent or non-functional protein product. Splice site prediction tools suggest that this variant may not impact RNA splicing. To our knowledge, functional studies have not been performed for this variant. This variant has not been reported in individuals affected with hereditary cancer in the literature. This variant has not been identified in the general population by the Genome Aggregation Database (gnomAD). Loss of PMS2 function is a known mechanism of disease. Based on the available evidence, this variant is classified as Pathogenic.

GeneDx
Classification: Pathogenic. Last evaluated: 2019-10-03. Review status: criteria provided, single submitter. Criteria: GeneDx Variant Classification Process June 2021. Collection method: clinical testing. Allele origin: germline. Affected: yes.
Comment: Frameshift variant predicted to result in protein truncation or nonsense mediated decay in a gene for which loss-of-function is a known mechanism of disease; Not observed in large population cohorts (Lek 2016); Truncating variants in this gene are considered pathogenic by a well-established clinical consortium and/or database; Has not been previously published as a pathogenic or benign germline variant to our knowledge; This variant is associated with the following publications: (PMID: 28466842, 28152038)

Constitutional Genetics Lab, Leon Berard Cancer Center
Classification: Pathogenic for Lynch-like syndrome. Last evaluated: 2019-07-01. Review status: no assertion criteria provided. Collection method: clinical testing. Allele origin: somatic. Affected: yes. Not counted in ClinVar's aggregate classification.

Literature cited by the submitters: PubMed 21376568 (cited by Labcorp Genetics (formerly Invitae), Labcorp); PubMed 24362816 (cited by Labcorp Genetics (formerly Invitae), Labcorp); PubMed 31068090 (cited by Quest Diagnostics Nichols Institute San Juan Capistrano and Ambry Genetics); PubMed 28466842 (cited by Quest Diagnostics Nichols Institute San Juan Capistrano); PubMed 28152038 (cited by Quest Diagnostics Nichols Institute San Juan Capistrano); PubMed 38175816 (cited by Quest Diagnostics Nichols Institute San Juan Capistrano); PubMed 28514183 (cited by Quest Diagnostics Nichols Institute San Juan Capistrano).